The following is an entry in ClinVar:

ClinVar aggregate classification (germline): Uncertain significance. Review status: criteria provided, multiple submitters, no conflicts (2 of 4 stars). 2 submissions from 2 submitters: Uncertain significance (2). Last evaluated 2025-06-05.

Conditions:
Inborn genetic diseases. Identifiers: MedGen C0950123, MeSH D030342.
ANKRD26-related disorder. Also called: ANKRD26-related condition.

Submissions (2):

Ambry Genetics
Classification: Uncertain significance for Inborn genetic diseases. Last evaluated: 2025-06-05. Review status: criteria provided, single submitter. Criteria: Ambry Variant Classification Scheme 2023. Collection method: clinical testing. Allele origin: germline.
Comment: The p.E308Q variant (also known as c.922G>C), located in coding exon 9 of the ANKRD26 gene, results from a G to C substitution at nucleotide position 922. The glutamic acid at codon 308 is replaced by glutamine, an amino acid with highly similar properties. This amino acid position is conserved. In addition, this alteration is predicted to be tolerated by in silico analysis. Based on the available evidence, the clinical significance of this variant remains unclear.

PreventionGenetics, part of Exact Sciences
Classification: Uncertain significance for ANKRD26-related condition. Last evaluated: 2023-07-21. Review status: criteria provided, single submitter. Criteria: ACMG Guidelines, 2015. Collection method: clinical testing. Allele origin: germline.
Comment: The ANKRD26 c.922G>C variant is predicted to result in the amino acid substitution p.Glu308Gln. To our knowledge, this variant has not been reported in the literature or in a large population database, indicating this variant is rare. At this time, the clinical significance of this variant is uncertain due to the absence of conclusive functional and genetic evidence.

NM_014915.3(ANKRD26):c.922G>C (p.Glu308Gln)

Gene: ANKRD26 (ankyrin repeat domain containing 26; minus strand). Cytogenetic location: 10p12.1.
Variant type: single nucleotide variant.
Coding change: c.922G>C on transcript NM_014915.3 (MANE Select); coding-DNA position 922, G replaced by C.
Protein change: p.Glu308Gln; replaces glutamic acid 308 with glutamine.
Molecular consequence: missense variant.
Genome position (GRCh38, 1-based): chr10:27,077,493, C>G on the plus strand (G>C on the coding strand, the complement: ANKRD26 is on the minus strand). VCF-style: chr10-27077493-C-G. GRCh37 (hg19) VCF-style: chr10-27366422-C-G.
Other names: c.922G>C, p.Glu308Gln (NM_001256053.2); short protein forms E308Q.
Identifiers: ClinVar variation 2631290 (VCV002631290.2), dbSNP rs1043377030, ClinGen allele CA204434860.